The following is an entry in ClinVar:

ClinVar aggregate classification (germline): Likely benign (1 of 4 stars; one submission).

Allele frequency attached by ClinVar (database versions not stated): 1000 Genomes Project 30x 0.00016; 1000 Genomes Project 0.00020; ExAC 0.00074; TOPMed 0.00098; gnomAD 0.00100; ESP Exome Variant Server 0.00115.
gnomAD v4.1: 2,857 of 1,614,226 alleles (0.18%); highest among the groups gnomAD compares: Non-Finnish European, 0.23%; 8 homozygotes.

Submission:

CeGaT Center for Human Genetics Tuebingen
Classification: Likely benign. Last evaluated: 2025-02-01. Review status: criteria provided, single submitter. Criteria: CeGaT Center For Human Genetics Tuebingen Variant Classification Criteria Version 2. Collection method: clinical testing. Allele origin: germline. Affected: yes. Observed: 3 variant alleles.
Comment: IQSEC1: BP4, BP7

NM_001134382.3(IQSEC1):c.1983G>C (p.Arg661=)

Gene: IQSEC1 (IQ motif and Sec7 domain ArfGEF 1; minus strand). Cytogenetic location: 3p25.2.
Variant type: single nucleotide variant.
Coding change: c.1983G>C on transcript NM_001134382.3 (MANE Select); coding-DNA position 1983, G replaced by C.
Protein change: p.Arg661=; no amino-acid change (arginine 661 retained).
Molecular consequence: synonymous variant.
Genome position (GRCh38, 1-based): chr3:12,920,467, C>G on the plus strand (G>C on the coding strand, the complement: IQSEC1 is on the minus strand). VCF-style: chr3-12920467-C-G. GRCh37 (hg19) VCF-style: chr3-12961967-C-G.
Other names: c.1659G>C, p.Arg553= (NM_001330619.3); c.2307G>C, p.Arg769= (NM_001376938.2); c.2025G>C, p.Arg675= (NM_014869.8).
Identifiers: ClinVar variation 2653553 (VCV002653553.24), dbSNP rs146107147, ClinGen allele CA2262113.